The following is an entry in ClinVar:

NM_015072.5(TTLL5):c.1669C>T (p.Arg557Trp)

Gene: TTLL5 (tubulin tyrosine ligase like 5; plus strand). Cytogenetic location: 14q24.3.
Variant type: single nucleotide variant.
Coding change: c.1669C>T on transcript NM_015072.5 (MANE Select); coding-DNA position 1669, C replaced by T.
Protein change: p.Arg557Trp; replaces arginine 557 with tryptophan.
Molecular consequence: missense variant.
Genome position (GRCh38, 1-based): chr14:75,764,733, C>T. VCF-style: chr14-75764733-C-T. GRCh37 (hg19) VCF-style: chr14-76231076-C-T.
Other names: c.1669C>T (NM_015072.4); short protein forms R557W.
Identifiers: ClinVar variation 1348725 (VCV001348725.5), dbSNP rs771955076, ClinGen allele CA7279484.

ClinVar aggregate classification (germline): Uncertain significance. Review status: criteria provided, multiple submitters, no conflicts (2 of 4 stars). 2 submissions from 2 submitters: Uncertain significance (2). Last evaluated 2024-10-26.

Conditions:
Inborn genetic diseases. Identifiers: MedGen C0950123, MeSH D030342.

Allele frequency attached by ClinVar (database versions not stated): TOPMed below 0.00001; ExAC 0.00001; gnomAD exomes 0.00002.
gnomAD v4.1: 23 of 1,614,118 alleles (0.0014%); highest among the groups gnomAD compares: Middle Eastern, 0.016%; no homozygotes.

Submissions (2):

Labcorp Genetics (formerly Invitae), Labcorp
Classification: Uncertain significance. Last evaluated: 2024-10-26. Review status: criteria provided, single submitter. Criteria: Invitae Variant Classification Sherloc (09022015). Collection method: clinical testing. Allele origin: germline.
Comment: This sequence change replaces arginine, which is basic and polar, with tryptophan, which is neutral and slightly polar, at codon 557 of the TTLL5 protein (p.Arg557Trp). This variant is present in population databases (rs771955076, gnomAD 0.01%). This variant has not been reported in the literature in individuals affected with TTLL5-related conditions. ClinVar contains an entry for this variant (Variation ID: 1348725). Invitae Evidence Modeling of protein sequence and biophysical properties (such as structural, functional, and spatial information, amino acid conservation, physicochemical variation, residue mobility, and thermodynamic stability) indicates that this missense variant is not expected to disrupt TTLL5 protein function with a negative predictive value of 80%. In summary, the available evidence is currently insufficient to determine the role of this variant in disease. Therefore, it has been classified as a Variant of Uncertain Significance.

Ambry Genetics
Classification: Uncertain significance for Inborn genetic diseases. Last evaluated: 2022-10-06. Review status: criteria provided, single submitter. Criteria: Ambry Variant Classification Scheme 2023. Collection method: clinical testing. Allele origin: germline.